The following is an entry in ClinVar:

ClinVar aggregate classification (germline): Likely pathogenic (1 of 4 stars; one submission).

Submission:

Labcorp Genetics (formerly Invitae), Labcorp
Classification: Likely pathogenic. Last evaluated: 2025-04-27. Review status: criteria provided, single submitter. Criteria: Invitae Variant Classification Sherloc (09022015). Collection method: clinical testing. Allele origin: germline.
Comment: This sequence change affects an acceptor splice site in intron 7 of the HK1 gene. RNA analysis indicates that disruption of this splice site induces altered splicing and likely results in a shortened protein product. This variant is not present in population databases (gnomAD no frequency). This variant has not been reported in the literature in individuals affected with HK1-related conditions. Studies have shown that disruption of this splice site alters HK1 gene expression (PMID: 27282571). Studies have shown that disruption of this splice site results in skipping of exon 8 and exons 8-9, but is expected to preserve the integrity of the reading-frame (PMID: 27282571). In summary, the currently available evidence indicates that the variant is pathogenic, but additional data are needed to prove that conclusively. Therefore, this variant has been classified as Likely Pathogenic.

Literature cited by the submitters: PubMed 27282571.

NM_000188.3(HK1):c.876-2A>T

Gene: HK1 (hexokinase 1; plus strand). Cytogenetic location: 10q22.1.
Variant type: single nucleotide variant.
Coding change: c.876-2A>T on transcript NM_000188.3 (MANE Select); the canonical splice acceptor site of the intron before coding-DNA position 876, A replaced by T.
Molecular consequence: splice acceptor variant. On other transcripts: intron variant (1).
Genome position (GRCh38, 1-based): chr10:69,376,932, A>T. VCF-style: chr10-69376932-A-T. GRCh37 (hg19) VCF-style: chr10-71136688-A-T.
Other names: c.840-2A>T (NM_033500.2); c.981-2A>T (NM_001322365.2); c.888-2A>T (NM_033498.3, NM_033497.3, NM_001322364.2 and 1 more transcripts); c.873-2A>T (NM_033496.3); c.792-2A>T (NM_001322366.1, NM_001441143.1); c.162-2A>T (NM_001441152.1); c.-137-2A>T (NM_001441153.1); c.876-2A>T (NM_001441141.1, NM_001441148.1, NM_001441146.1 and 2 more transcripts); and 8 more.
Identifiers: ClinVar variation 4718497 (VCV004718497.1).